The following is an entry in ClinVar:

ClinVar aggregate classification (germline): Uncertain significance (1 of 4 stars; one submission).

Conditions:
Pulmonary hypertension, primary, 4. Identifiers: Orphanet 422, MedGen C3809198, MONDO:0014136, OMIM 615344.

Submission:

Labcorp Genetics (formerly Invitae), Labcorp
Classification: Uncertain significance for Pulmonary hypertension, primary, 4. Last evaluated: 2023-07-17. Review status: criteria provided, single submitter. Criteria: Invitae Variant Classification Sherloc (09022015). Collection method: clinical testing. Allele origin: germline.
Comment: In summary, the available evidence is currently insufficient to determine the role of this variant in disease. Therefore, it has been classified as a Variant of Uncertain Significance. Advanced modeling of protein sequence and biophysical properties (such as structural, functional, and spatial information, amino acid conservation, physicochemical variation, residue mobility, and thermodynamic stability) performed at Invitae indicates that this missense variant is expected to disrupt KCNK3 protein function. This variant has not been reported in the literature in individuals affected with KCNK3-related conditions. This variant is not present in population databases (gnomAD no frequency). This sequence change replaces serine, which is neutral and polar, with proline, which is neutral and non-polar, at codon 179 of the KCNK3 protein (p.Ser179Pro).

NM_002246.3(KCNK3):c.535T>C (p.Ser179Pro)

Gene: KCNK3 (potassium two pore domain channel subfamily K member 3; plus strand). Cytogenetic location: 2p23.3.
Variant type: single nucleotide variant.
Coding change: c.535T>C on transcript NM_002246.3 (MANE Select); coding-DNA position 535, T replaced by C.
Protein change: p.Ser179Pro; replaces serine 179 with proline.
Molecular consequence: missense variant.
Genome position (GRCh38, 1-based): chr2:26,727,918, T>C. VCF-style: chr2-26727918-T-C. GRCh37 (hg19) VCF-style: chr2-26950786-T-C.
Other names: short protein forms S179P.
Identifiers: ClinVar variation 2744310 (VCV002744310.3), dbSNP rs1169009672, ClinGen allele CA346262208.